The following is an entry in ClinVar:

ClinVar aggregate classification (germline): Uncertain significance (1 of 4 stars; one submission).

Submission:

Labcorp Genetics (formerly Invitae), Labcorp
Classification: Uncertain significance. Last evaluated: 2022-08-24. Review status: criteria provided, single submitter. Criteria: Invitae Variant Classification Sherloc (09022015). Collection method: clinical testing. Allele origin: germline.
Comment: Algorithms developed to predict the effect of missense changes on protein structure and function are either unavailable or do not agree on the potential impact of this missense change (SIFT: "Deleterious"; PolyPhen-2: "Benign"; Align-GVGD: "Class C0"). In summary, the available evidence is currently insufficient to determine the role of this variant in disease. Therefore, it has been classified as a Variant of Uncertain Significance. This variant has not been reported in the literature in individuals affected with GNAS-related conditions. This sequence change replaces lysine, which is basic and polar, with glutamic acid, which is acidic and polar, at codon 233 of the GNAS protein (p.Lys233Glu). This variant is not present in population databases (gnomAD no frequency).

NM_000516.7(GNAS):c.697A>G (p.Lys233Glu)

Gene: GNAS (GNAS complex locus; plus strand). Cytogenetic location: 20q13.32.
Variant type: single nucleotide variant.
Coding change: c.697A>G on transcript NM_000516.7 (MANE Select); coding-DNA position 697, A replaced by G.
Protein change: p.Lys233Glu; replaces lysine 233 with glutamic acid.
Molecular consequence: missense variant. On other transcripts: 3 prime UTR variant (2).
Genome position (GRCh38, 1-based): chr20:58,909,558, A>G. VCF-style: chr20-58909558-A-G. GRCh37 (hg19) VCF-style: chr20-57484613-A-G.
Other names: c.700A>G, p.Lys234Glu (NM_001077488.5); c.652A>G, p.Lys218Glu (NM_001077489.4); c.*558A>G (NM_001077490.3); c.520A>G, p.Lys174Glu (NM_001309840.2, NM_001309861.2); c.601A>G, p.Lys201Glu (NM_001410912.1); c.2581A>G, p.Lys861Glu (NM_001410913.1); c.*603A>G (NM_016592.5); c.2626A>G, p.Lys876Glu (NM_080425.4); and 1 more; short protein forms K174E, K218E, K861E, K201E, K219E, K233E, K876E, K234E.
Identifiers: ClinVar variation 1937202 (VCV001937202.5), dbSNP rs1176666574, ClinGen allele CA409452336.